The following is an entry in ClinVar:

ClinVar aggregate classification (germline): Uncertain significance. Review status: criteria provided, multiple submitters, no conflicts (2 of 4 stars). 2 submissions from 2 submitters: Uncertain significance (2). Last evaluated 2024-05-07.

Conditions:
Developmental delay, hypotonia, musculoskeletal defects, and behavioral abnormalities. Identifiers: MedGen C5562012, MONDO:0859202, OMIM 619595.
Floating-Harbor syndrome (FLHS). Also called: SRCAP-Related Floating-Harbor Syndrome; Short stature with delayed bone age, expressive language delay, a triangular face with a prominent nose and deep-set eyes; Pelletier-Leisti syndrome. Identifiers: Orphanet 2044, MedGen C0729582, MONDO:0007621, OMIM 136140.

Allele frequency attached by ClinVar (database versions not stated): gnomAD exomes below 0.00001; gnomAD 0.00001.
gnomAD v4.1: 8 of 1,610,658 alleles (0.0005%); highest among the groups gnomAD compares: Non-Finnish European, 0.00059%; no homozygotes.

Submissions (2):

Fulgent Genetics
Classification: Uncertain significance for Floating-Harbor syndrome; Developmental delay, hypotonia, musculoskeletal defects, and behavioral abnormalities. Last evaluated: 2024-05-07. Review status: criteria provided, single submitter. Criteria: ACMG Guidelines, 2015. Collection method: clinical testing. Allele origin: germline.

Labcorp Genetics (formerly Invitae), Labcorp
Classification: Uncertain significance. Last evaluated: 2022-06-09. Review status: criteria provided, single submitter. Criteria: Invitae Variant Classification Sherloc (09022015). Collection method: clinical testing. Allele origin: germline.
Comment: In summary, the available evidence is currently insufficient to determine the role of this variant in disease. Therefore, it has been classified as a Variant of Uncertain Significance. Algorithms developed to predict the effect of missense changes on protein structure and function are either unavailable or do not agree on the potential impact of this missense change (SIFT: "Deleterious"; PolyPhen-2: "Not Available"; Align-GVGD: "Class C0"). This variant has not been reported in the literature in individuals affected with SRCAP-related conditions. This variant is present in population databases (no rsID available, gnomAD 0.002%). This sequence change replaces arginine, which is basic and polar, with serine, which is neutral and polar, at codon 2868 of the SRCAP protein (p.Arg2868Ser).

NM_006662.3(SRCAP):c.8604G>T (p.Arg2868Ser)

Gene: SRCAP (Snf2 related CREBBP activator protein; plus strand). Cytogenetic location: 16p11.2.
Variant type: single nucleotide variant.
Coding change: c.8604G>T on transcript NM_006662.3 (MANE Select); coding-DNA position 8604, G replaced by T.
Protein change: p.Arg2868Ser; replaces arginine 2868 with serine.
Molecular consequence: missense variant.
Genome position (GRCh38, 1-based): chr16:30,738,644, G>T. VCF-style: chr16-30738644-G-T. GRCh37 (hg19) VCF-style: chr16-30749965-G-T.
Other names: short protein forms R2868S.
Identifiers: ClinVar variation 1958364 (VCV001958364.6), dbSNP rs1483823600, ClinGen allele CA395638382.